The following is an entry in ClinVar:

NM_016123.4(IRAK4):c.877C>T (p.Gln293Ter)

Gene: IRAK4 (interleukin 1 receptor associated kinase 4; plus strand). Cytogenetic location: 12q12.
Variant type: single nucleotide variant.
Coding change: c.877C>T on transcript NM_016123.4 (MANE Select); coding-DNA position 877, C replaced by T.
Protein change: p.Gln293Ter; replaces glutamine 293 with a stop codon.
Molecular consequence: nonsense.
Genome position (GRCh38, 1-based): chr12:43,778,238, C>T. VCF-style: chr12-43778238-C-T. GRCh37 (hg19) VCF-style: chr12-44172041-C-T.
Other names: c.877C>T, p.Gln293Ter (NM_001114182.3, NM_001351345.2); c.505C>T, p.Gln169Ter (NM_001145256.2, NM_001145257.2, NM_001145258.2 and 5 more transcripts); c.268C>T, p.Gln90Ter (NM_001351343.2, NM_001351344.2); short protein forms Q293*, Q169*, Q90*.
Identifiers: ClinVar variation 3839 (VCV000003839.57), dbSNP rs121908002, ClinGen allele CA116472.

ClinVar aggregate classification (germline): Pathogenic. Review status: criteria provided, multiple submitters, no conflicts (2 of 4 stars). 12 submissions from 12 submitters: Pathogenic (9). 3 of the submissions do not count toward it. Last evaluated 2026-05-26.

Conditions:
IRAK4-related disorders.
IRAK4-related disorder. Also called: IRAK4-related condition.
Immunodeficiency 67. Also called: Immunodeficiency due to interleukin-1 receptor-associated kinase-4 deficiency. Identifiers: Orphanet 70592, MedGen C1843256, MONDO:0011888, OMIM 607676.

Allele frequency attached by ClinVar (database versions not stated): ExAC 0.00018; gnomAD exomes 0.00023 and 0.00070; TOPMed 0.00026; gnomAD 0.00032 and 0.00035.
gnomAD v4.1: 1,035 of 1,611,692 alleles (0.064%); highest among the groups gnomAD compares: Non-Finnish European, 0.086%; no homozygotes.

Submissions (12):

PreventionGenetics, part of Exact Sciences
Classification: Pathogenic for IRAK4-related condition. Last evaluated: 2026-05-26. Review status: criteria provided, single submitter. Criteria: ACMG Guidelines, 2015. Collection method: clinical testing. Allele origin: germline.
Comment: The IRAK4 c.877C>T variant is predicted to result in premature protein termination (p.Gln293*). This variant has been reported to be causative for autosomal recessive IRAK4 deficiency (see for example - Picard et al. 2003. PubMed ID: 12637671; Picard et al. 2010. PubMed ID: 21057262; Lavine et al. 2007. PubMed ID: 17544092). This variant is reported in 0.047% of alleles in individuals of European (Non-Finnish) descent in gnomAD. Nonsense variants in IRAK4 are expected to be pathogenic. This variant is interpreted as pathogenic.

Labcorp Genetics (formerly Invitae), Labcorp
Classification: Pathogenic for Immunodeficiency 67. Last evaluated: 2026-01-11. Review status: criteria provided, single submitter. Criteria: Invitae Variant Classification Sherloc (09022015). Collection method: clinical testing. Allele origin: germline.
Comment: This sequence change creates a premature translational stop signal (p.Gln293*) in the IRAK4 gene. It is expected to result in an absent or disrupted protein product. Loss-of-function variants in IRAK4 are known to be pathogenic (PMID: 17893200, 21057262). This variant is present in population databases (rs121908002, gnomAD 0.05%). This premature translational stop signal has been observed in individual(s) with IRAK4 deficiency (PMID: 12637671, 12925671, 19663824, 20621347, 25344726, 26472314). ClinVar contains an entry for this variant (Variation ID: 3839). Algorithms developed to predict the effect of sequence changes on RNA splicing suggest that this variant may disrupt the consensus splice site. For these reasons, this variant has been classified as Pathogenic.

Dasa
Classification: Pathogenic. Last evaluated: 2025-10-10. Review status: criteria provided, single submitter. Criteria: DASA Assertion Criteria. Collection method: clinical testing. Allele origin: germline.
Comment: NM_016123.4(IRAK4):c.877C>T (p.Gln293*) introduces a premature termination codon predicted to result in loss of normal protein function. Loss-of-function is an established mechanism of disease for this gene. Functional evidence supports a deleterious effect on the gene or gene product (PMID: 12637671; PMID: 21057262; PMID: 17544092). This variant has been recurrently observed in individuals with related phenotype (PMID: 12637671; PMID: 21057262; PMID: 17544092). The variant is present at low frequency in population datasets. Based on the available data, this variant is classified as pathogenic.

Blueprint Genetics
Classification: Pathogenic for IRAK4-related disorders. Last evaluated: 2024-11-06. Review status: criteria provided, single submitter. Criteria: ACMG Guidelines, 2015. Collection method: clinical testing. Allele origin: germline. Affected: yes. Observed: 5 variant alleles.

CeGaT Center for Human Genetics Tuebingen
Classification: Pathogenic. Last evaluated: 2024-05-01. Review status: criteria provided, single submitter. Criteria: CeGaT Center For Human Genetics Tuebingen Variant Classification Criteria Version 2. Collection method: clinical testing. Allele origin: germline. Affected: yes. Observed: 3 variant alleles.
Comment: IRAK4: PM3:Very Strong, PVS1, PM2, PS3:Supporting

GeneDx
Classification: Pathogenic. Last evaluated: 2023-05-29. Review status: criteria provided, single submitter. Criteria: GeneDx Variant Classification Process June 2021. Collection method: clinical testing. Allele origin: germline. Affected: yes.
Comment: Published functional studies demonstrate a damaging effect of the Q293X with undetectable mRNA levels in cells lines harboring this variant (Picard et al., 2003; Yamamot et al., 2014); Nonsense variant predicted to result in protein truncation or nonsense mediated decay in a gene for which loss-of-function is a known mechanism of disease; This variant is associated with the following publications: (PMID: 29431110, 17544092, 17114497, 24316379, 25344726, 25525159, 26472314, 29707745, 12637671, 21057262, 17893200, 29531937, 31526803, 31980526, 31589614, 32888943, 31345219, 33083971)

HudsonAlpha Institute for Biotechnology
Classification: Pathogenic for Immunodeficiency 67. Last evaluated: 2022-04-28. Review status: criteria provided, single submitter. Criteria: ACMG Guidelines, 2015. Collection method: research. Allele origin: unknown. Affected: yes. Observed: 1 variant allele. Study: HudsonAlpha-AGHI-WGS.
Comment: ACMG codes: PVS1, PS3, PM2, PM3_VeryStrong, PP1_VeryStrong

Institute of Human Genetics, University of Leipzig Medical Center
Classification: Pathogenic for Immunodeficiency 67. Last evaluated: 2020-08-27. Review status: criteria provided, single submitter. Criteria: ACMG Guidelines, 2015. Collection method: clinical testing. Allele origin: unknown. Affected: yes.
Comment: This variant was identified as compound heterozygous with NM_016123.3:c.1148G>T.

Illumina Laboratory Services, Illumina
Classification: Pathogenic for Immunodeficiency 67. Last evaluated: 2018-11-01. Review status: criteria provided, single submitter. Criteria: ICSL Variant Classification Criteria 09 May 2019. Collection method: clinical testing. Allele origin: germline.
Comment: The IRAK4 c.877C>T (p.Gln293Ter) variant is a stop-gained variant that is predicted to result in a premature termination of the protein. Across a selection of the available literature, the p.Gln293Ter variant has been identified in a total of 23 individuals with IRAK4 deficiency including 15 homozygotes and eight compound heterozygotes (Picard et al.2003; Picard et al. 2010; Andres et al. 2013; Frans et al. 2015). The p.Gln293Ter variant was absent from 160 healthy controls and is reported at a frequency of 0.000482 in the European (non-Finnish) population of the Genome Aggregation Database. Ku et al. (2007) used EBV-transformed B lymphocyte cell lines (B-EBVs) and SV40-transformed fibroblast cell lines (SV40-fibroblast) from a healthy control and IRAK4-deficient patients to demonstrate that cell lines bearing the p.Gln293Ter variant had low levels of detectable full length IRAK4 mRNA and no IRAK4 protein. In addition, B-EBVs bearing the p.Gln293Ter variant did not respond to TLR7 and TLR8 agonists as measured by TNF-alpha production, while SV40-fibroblasts bearing the p.Gln293Ter variant did not respond to IL1-beta as assessed by measuring IL6 production, together suggesting a complete IRAK4 deficiency and absence of IRAK4-dependent TIR signalling. Based on the collective evidence and the potential impact of stop-gained variants, the p.Gln293Ter variant is classified as pathogenic for IRAK4 deficiency. This variant was observed by ICSL as part of a predisposition screen in an ostensibly healthy population.

OMIM
Classification: Pathogenic for IMMUNODEFICIENCY 67. Last evaluated: 2006-12-01. Review status: no assertion criteria provided. Collection method: literature only. Allele origin: germline. Not counted in ClinVar's aggregate classification.

Genome Diagnostics Laboratory, University Medical Center Utrecht
Classification: Pathogenic. Review status: no assertion criteria provided. Collection method: clinical testing. Allele origin: germline. Affected: yes. Study: VKGL Data-share Consensus. Not counted in ClinVar's aggregate classification.

Joint Genome Diagnostic Labs from Nijmegen and Maastricht, Radboudumc and MUMC+
Classification: Pathogenic. Review status: no assertion criteria provided. Collection method: clinical testing. Allele origin: germline. Affected: yes. Study: VKGL Data-share Consensus. Not counted in ClinVar's aggregate classification.

Literature cited by the submitters: PubMed 17893200 (cited by Labcorp Genetics (formerly Invitae), Labcorp and Illumina Laboratory Services, Illumina); PubMed 21057262 (cited by 3 submitters); PubMed 12637671 (cited by 4 submitters); PubMed 12925671 (cited by Labcorp Genetics (formerly Invitae), Labcorp and OMIM); PubMed 19663824 (cited by Labcorp Genetics (formerly Invitae), Labcorp); PubMed 20621347 (cited by Labcorp Genetics (formerly Invitae), Labcorp); PubMed 25344726 (cited by Labcorp Genetics (formerly Invitae), Labcorp); PubMed 26472314 (cited by Labcorp Genetics (formerly Invitae), Labcorp and Illumina Laboratory Services, Illumina); PubMed 17544092 (cited by Dasa and OMIM); PubMed 23538514 (cited by Illumina Laboratory Services, Illumina); PubMed 9789052 (cited by OMIM); PubMed 17114497 (cited by OMIM).